The following is an entry in ClinVar:

NM_017654.4(SAMD9):c.1718T>A (p.Ile573Lys)

Gene: SAMD9 (sterile alpha motif domain containing 9; minus strand). Cytogenetic location: 7q21.2.
Variant type: single nucleotide variant.
Coding change: c.1718T>A on transcript NM_017654.4 (MANE Select); coding-DNA position 1718, T replaced by A.
Protein change: p.Ile573Lys; replaces isoleucine 573 with lysine.
Molecular consequence: missense variant.
Genome position (GRCh38, 1-based): chr7:93,104,380, A>T on the plus strand (T>A on the coding strand, the complement: SAMD9 is on the minus strand). VCF-style: chr7-93104380-A-T. GRCh37 (hg19) VCF-style: chr7-92733693-A-T.
Other names: c.1718T>A, p.Ile573Lys (NM_001193307.2); short protein forms I573K.
Identifiers: ClinVar variation 1899342 (VCV001899342.3), dbSNP rs1791593066, ClinGen allele CA368195148.

ClinVar aggregate classification (germline): Uncertain significance (1 of 4 stars; one submission).

Submission:

Labcorp Genetics (formerly Invitae), Labcorp
Classification: Uncertain significance. Last evaluated: 2025-12-01. Review status: criteria provided, single submitter. Criteria: Invitae Variant Classification Sherloc (09022015). Collection method: clinical testing. Allele origin: germline.
Comment: This sequence change replaces isoleucine, which is neutral and non-polar, with lysine, which is basic and polar, at codon 573 of the SAMD9 protein (p.Ile573Lys). This variant is not present in population databases (gnomAD no frequency). This variant has not been reported in the literature in individuals affected with SAMD9-related conditions. ClinVar contains an entry for this variant (Variation ID: 1899342). Invitae Evidence Modeling of protein sequence and biophysical properties (such as structural, functional, and spatial information, amino acid conservation, physicochemical variation, residue mobility, and thermodynamic stability) has been performed for this missense variant. However, the output from this modeling did not meet the statistical confidence thresholds required to predict the impact of this variant on SAMD9 protein function. In summary, the available evidence is currently insufficient to determine the role of this variant in disease. Therefore, it has been classified as a Variant of Uncertain Significance.